The following is an entry in ClinVar:

ClinVar aggregate classification (germline): Likely benign. Review status: criteria provided, multiple submitters, no conflicts (2 of 4 stars). 2 submissions from 2 submitters: Likely benign (2). Last evaluated 2024-10-29.

Allele frequency attached by ClinVar (database versions not stated): gnomAD exomes below 0.00001.
gnomAD v4.1: 2 of 1,613,934 alleles (0.00012%); highest among the groups gnomAD compares: Non-Finnish European, 0.00017%; no homozygotes.

Submissions (2):

Labcorp Genetics (formerly Invitae), Labcorp
Classification: Likely benign. Last evaluated: 2024-10-29. Review status: criteria provided, single submitter. Criteria: Invitae Variant Classification Sherloc (09022015). Collection method: clinical testing. Allele origin: germline.

CeGaT Center for Human Genetics Tuebingen
Classification: Likely benign. Last evaluated: 2023-01-01. Review status: criteria provided, single submitter. Criteria: CeGaT Center For Human Genetics Tuebingen Variant Classification Criteria Version 2. Collection method: clinical testing. Allele origin: germline. Affected: yes. Observed: 1 variant allele.
Comment: CANT1: BP4, BP7

NM_001159773.2(CANT1):c.1017C>T (p.Val339=)

Gene: CANT1 (calcium activated nucleotidase 1; minus strand). Cytogenetic location: 17q25.3.
Variant type: single nucleotide variant.
Coding change: c.1017C>T on transcript NM_001159773.2 (MANE Select); coding-DNA position 1017, C replaced by T.
Protein change: p.Val339=; no amino-acid change (valine 339 retained).
Molecular consequence: synonymous variant.
Genome position (GRCh38, 1-based): chr17:78,993,739, G>A on the plus strand (C>T on the coding strand, the complement: CANT1 is on the minus strand). VCF-style: chr17-78993739-G-A. GRCh37 (hg19) VCF-style: chr17-76989821-G-A.
Other names: c.1017C>T, p.Val339= (NM_001159772.2, NM_138793.4).
Identifiers: ClinVar variation 1590938 (VCV001590938.32), dbSNP rs1167694869, ClinGen allele CA502137494.